The following is an entry in ClinVar:

NM_001433705.1(NLRP5):c.2520G>A (p.Thr840=)

Gene: NLRP5 (NLR family pyrin domain containing 5; plus strand). Cytogenetic location: 19q13.43.
Variant type: single nucleotide variant.
Coding change: c.2520G>A on transcript NM_001433705.1 (MANE Select); coding-DNA position 2520, G replaced by A.
Protein change: p.Thr840=; no amino-acid change (threonine 840 retained).
Molecular consequence: synonymous variant.
Genome position (GRCh38, 1-based): chr19:56,038,082, G>A. VCF-style: chr19-56038082-G-A. GRCh37 (hg19) VCF-style: chr19-56549448-G-A.
Other names: NM_153447.4:c.2673G>A.
Identifiers: ClinVar variation 779287 (VCV000779287.30), dbSNP rs45624737, ClinGen allele CA9685974.

ClinVar aggregate classification (germline): Benign/Likely benign. Review status: criteria provided, multiple submitters, no conflicts (2 of 4 stars). 4 submissions from 4 submitters: Benign (2); Likely benign (2). Last evaluated 2026-02-01.

Allele frequency attached by ClinVar (database versions not stated): TOPMed 0.00553; gnomAD 0.00565 and 0.00578; ESP Exome Variant Server 0.00566; 1000 Genomes Project 0.00240; 1000 Genomes Project 30x 0.00281; gnomAD exomes 0.00493 and 0.00632; ExAC 0.00503.
gnomAD v4.1: 10,058 of 1,613,896 alleles (0.62%); highest among the groups gnomAD compares: Middle Eastern, 0.92%; 36 homozygotes.

Submissions (4):

CeGaT Center for Human Genetics Tuebingen
Classification: Likely benign. Last evaluated: 2026-02-01. Review status: criteria provided, single submitter. Criteria: CeGaT Center For Human Genetics Tuebingen Variant Classification Criteria Version 2. Collection method: clinical testing. Allele origin: germline. Affected: yes. Observed: 12 variant alleles.
Comment: NLRP5: BP4, BP7, BS2

Blueprint Genetics
Classification: Likely benign. Last evaluated: 2024-11-28. Review status: criteria provided, single submitter. Criteria: ACMG Guidelines, 2015. Collection method: clinical testing. Allele origin: germline.

Labcorp Genetics (formerly Invitae), Labcorp
Classification: Benign. Last evaluated: 2019-12-31. Review status: criteria provided, single submitter. Criteria: Invitae Variant Classification Sherloc (09022015). Collection method: clinical testing. Allele origin: germline.

Breakthrough Genomics
Classification: Benign. Review status: criteria provided, single submitter. Criteria: ACMG Guidelines, 2015. Collection method: not provided. Allele origin: germline. Inheritance: Unknown mechanism. Affected: yes.